The following is an entry in ClinVar:

ClinVar aggregate classification (germline): Uncertain significance (1 of 4 stars; one submission).

gnomAD v4.1: 2 of 1,613,716 alleles (0.00012%); highest among the groups gnomAD compares: Admixed American, 0.0017%; no homozygotes.

Submission:

Labcorp Genetics (formerly Invitae), Labcorp
Classification: Uncertain significance. Last evaluated: 2025-02-28. Review status: criteria provided, single submitter. Criteria: Invitae Variant Classification Sherloc (09022015). Collection method: clinical testing. Allele origin: germline.
Comment: This sequence change replaces serine, which is neutral and polar, with asparagine, which is neutral and polar, at codon 365 of the DLL4 protein (p.Ser365Asn). This variant is present in population databases (no rsID available, gnomAD 0.003%). This variant has not been reported in the literature in individuals affected with DLL4-related conditions. Invitae Evidence Modeling of protein sequence and biophysical properties (such as structural, functional, and spatial information, amino acid conservation, physicochemical variation, residue mobility, and thermodynamic stability) indicates that this missense variant is not expected to disrupt DLL4 protein function with a negative predictive value of 80%. In summary, the available evidence is currently insufficient to determine the role of this variant in disease. Therefore, it has been classified as a Variant of Uncertain Significance.

NM_019074.4(DLL4):c.1094G>A (p.Ser365Asn)

Gene: DLL4 (delta like canonical Notch ligand 4; plus strand). Cytogenetic location: 15q15.1.
Variant type: single nucleotide variant.
Coding change: c.1094G>A on transcript NM_019074.4 (MANE Select); coding-DNA position 1094, G replaced by A.
Protein change: p.Ser365Asn; replaces serine 365 with asparagine.
Molecular consequence: missense variant.
Genome position (GRCh38, 1-based): chr15:40,934,971, G>A. VCF-style: chr15-40934971-G-A. GRCh37 (hg19) VCF-style: chr15-41227169-G-A.
Other names: short protein forms S365N.
Identifiers: ClinVar variation 4776794 (VCV004776794.1).
Genomic context (GRCh38, chr15:40,934,971, plus strand): 5'-GCTACCACTGCCTGTGTCCTCCGGGCTACTATGGCCTGCATTGTGAACACAGCACCTTGA[G>A]CTGCGCCGACTCCCCCTGCTTCAATGGGGGCTCCTGCCGGGAGCGCAACCAGGGGGCCAA-3'
Protein context (NP_061947.1, residues 355-375): YGLHCEHSTL[Ser365Asn]CADSPCFNGG